The following is an entry in ClinVar:

ClinVar aggregate classification (germline): Pathogenic. Review status: criteria provided, multiple submitters, no conflicts (2 of 4 stars). 2 submissions from 2 submitters: Pathogenic (2). Last evaluated 2026-01-14.

Conditions:
Ataxia-telangiectasia syndrome (AT). Also called: ATAXIA-TELANGIECTASIA, COMPLEMENTATION GROUP A; ATAXIA-TELANGIECTASIA, FRESNO VARIANT; LOUIS-BAR SYNDROME; Cerebello-oculocutaneous telangiectasia; Immunodeficiency with ataxia telangiectasia; Ataxia-telangiectasia, complementation group E. Identifiers: Orphanet 100, MedGen C0004135, MONDO:0008840, OMIM 208900.
Familial cancer of breast. Also called: BREAST CANCER, FAMILIAL; Hereditary breast cancer; hereditary breast carcinoma. Identifiers: Orphanet 227535, MedGen C0346153, MONDO:0016419, OMIM 114480. Disease mechanism: loss of function.

Allele frequency attached by ClinVar (database versions not stated): gnomAD 0.00001; gnomAD exomes 0.00001; TOPMed 0.00002.

Submissions (2):

Women's Health and Genetics/Laboratory Corporation of America, LabCorp
Classification: Pathogenic for Ataxia-telangiectasia syndrome. Last evaluated: 2026-01-14. Review status: criteria provided, single submitter. Criteria: LabCorp Variant Classification Summary - May 2015. Collection method: clinical testing. Allele origin: germline.
Comment: Variant summary: ATM c.3244_3245insTG (p.His1082LeufsX28) results in a premature termination codon, predicted to cause absence of the protein due to nonsense mediated decay, which is a commonly known mechanism for disease. The variant was absent in 251266 control chromosomes (gnomAD). c.3244_3245insTG has been observed in a homozygous individual affected with Ataxia-telangiectasia syndrome as well as heterozygous individuals affected with prostate cancer (e.g. Karlsson_2021, Abolhassani_2022). These data indicate that the variant is likely to be associated with disease. The following publications have been ascertained in the context of this evaluation (PMID: 34686943, 33436325). ClinVar contains an entry for this variant (Variation ID: 3629472). Based on the evidence outlined above, the variant was classified as pathogenic.

Department of Clinical Genetics, Copenhagen University Hospital, Rigshospitalet
Classification: Pathogenic for Familial cancer of breast; Ataxia-telangiectasia syndrome. Last evaluated: 2025-02-04. Review status: criteria provided, single submitter. Criteria: ACMG Guidelines, 2015. Collection method: clinical testing. Allele origin: germline.
Comment: PVS1, PM5_SUP, PM2_SUP, PM3

Literature cited by the submitters: PubMed 33436325 (cited by Women's Health and Genetics/Laboratory Corporation of America, LabCorp); PubMed 34686943 (cited by Women's Health and Genetics/Laboratory Corporation of America, LabCorp).

NM_000051.4(ATM):c.3244_3245insTG (p.His1082fs)

Gene: ATM (ATM serine/threonine kinase; plus strand). Cytogenetic location: 11q22.3.
Variant type: Insertion.
Coding change: c.3244_3245insTG on transcript NM_000051.4 (MANE Select); coding-DNA positions 3244 to 3245, TG inserted.
Protein change: p.His1082fs; shifts the reading frame from histidine 1082.
Molecular consequence: frameshift variant.
Genome position: GRCh38 VCF-style: chr11-108272812-C-CTG. GRCh37 (hg19) VCF-style: chr11-108143539-C-CTG.
Other names: c.3244_3245insTG, p.His1082fs (NM_001351834.2); short protein forms H1082fs.
Identifiers: ClinVar variation 3629472 (VCV003629472.3), dbSNP rs761486324.